The following is an entry in ClinVar:

NM_003924.4(PHOX2B):c.268G>C (p.Gly90Arg)

Gene: PHOX2B (paired like homeobox 2B; minus strand). Cytogenetic location: 4p13.
Variant type: single nucleotide variant.
Coding change: c.268G>C on transcript NM_003924.4 (MANE Select); coding-DNA position 268, G replaced by C.
Protein change: p.Gly90Arg; replaces glycine 90 with arginine.
Molecular consequence: missense variant.
Genome position (GRCh38, 1-based): chr4:41,747,510, C>G on the plus strand (G>C on the coding strand, the complement: PHOX2B is on the minus strand). VCF-style: chr4-41747510-C-G. GRCh37 (hg19) VCF-style: chr4-41749527-C-G.
Other names: short protein forms G90R.
Identifiers: ClinVar variation 4842477 (VCV004842477.1).

ClinVar aggregate classification (germline): Uncertain significance (1 of 4 stars; one submission).

Conditions:
Hereditary cancer-predisposing syndrome. Also called: Neoplastic Syndromes, Hereditary; Tumor predisposition; Hereditary Cancer Syndrome; Hereditary neoplastic syndrome. Identifiers: Orphanet 140162, MedGen C0027672, MeSH D009386, MONDO:0015356.

Submission:

Ambry Genetics
Classification: Uncertain significance for Hereditary cancer-predisposing syndrome. Last evaluated: 2026-03-02. Review status: criteria provided, single submitter. Criteria: Ambry Variant Classification Scheme 2023. Collection method: clinical testing. Allele origin: germline.
Comment: The p.G90R variant (also known as c.268G>C), located in coding exon 2 of the PHOX2B gene, results from a G to C substitution at nucleotide position 268. The glycine at codon 90 is replaced by arginine, an amino acid with dissimilar properties. This amino acid position is conserved. In addition, the in silico prediction for this alteration is inconclusive. Based on the available evidence, the clinical significance of this variant remains unclear.